The following is an entry in ClinVar:

ClinVar aggregate classification (germline): Pathogenic/Likely pathogenic. Review status: criteria provided, multiple submitters, no conflicts (2 of 4 stars). 6 submissions from 6 submitters: Pathogenic (4); Likely pathogenic (2). Last evaluated 2024-10-11.

Conditions:
Ear malformation. Also called: Abnormality of the ear; CUP EAR. Identifiers: MedGen C0266589, MONDO:0007500, OMIM 128600, HP:0000598.
Hearing impairment. Also called: Impaired Hearing. Identifiers: MedGen C1384666, MONDO:0005365, HP:0000365.
ADGRV1-related disorder. Also called: ADGRV1-related disorders; ADGRV1-related condition.
Retinal dystrophy. Also called: Inherited retinal dystrophy. Identifiers: Orphanet 71862, MedGen C0854723, MeSH D058499, MONDO:0019118, HP:0000556.

Allele frequency attached by ClinVar (database versions not stated): ExAC 0.00003.
gnomAD v4.1: 18 of 1,613,924 alleles (0.0011%); highest among the groups gnomAD compares: Non-Finnish European, 0.0014%; no homozygotes.

Submissions (6):

Blueprint Genetics
Classification: Pathogenic for ADGRV1-related disorders. Last evaluated: 2024-10-11. Review status: criteria provided, single submitter. Criteria: ACMG Guidelines, 2015. Collection method: clinical testing. Allele origin: germline. Affected: yes. Observed: 5 variant alleles.

Labcorp Genetics (formerly Invitae), Labcorp
Classification: Pathogenic. Last evaluated: 2024-09-14. Review status: criteria provided, single submitter. Criteria: Invitae Variant Classification Sherloc (09022015). Collection method: clinical testing. Allele origin: germline.
Comment: This sequence change creates a premature translational stop signal (p.Arg493*) in the ADGRV1 gene. It is expected to result in an absent or disrupted protein product. Loss-of-function variants in ADGRV1 are known to be pathogenic (PMID: 19357117, 22135276, 22147658, 26226137, 30718709, 31047384, 32467589). This variant is present in population databases (rs779948710, gnomAD 0.004%). This premature translational stop signal has been observed in individual(s) with Usher syndrome (PMID: 27460420). ClinVar contains an entry for this variant (Variation ID: 1064951). For these reasons, this variant has been classified as Pathogenic.

GeneDx
Classification: Pathogenic. Last evaluated: 2023-08-25. Review status: criteria provided, single submitter. Criteria: GeneDx Variant Classification Process June 2021. Collection method: clinical testing. Allele origin: germline. Affected: yes.
Comment: Nonsense variant predicted to result in protein truncation or nonsense mediated decay in a gene for which loss of function is a known mechanism of disease; Not observed at significant frequency in large population cohorts (gnomAD); This variant is associated with the following publications: (PMID: 31964843, 36056583, 27460420)

Kariminejad - Najmabadi Pathology & Genetics Center
Classification: Likely pathogenic for Ear malformation. Last evaluated: 2021-07-10. Review status: criteria provided, single submitter. Criteria: ACMG Guidelines, 2015. Collection method: clinical testing. Allele origin: germline. Affected: yes.

Department of Otolaryngology – Head & Neck Surgery, Cochlear Implant Center
Classification: Likely pathogenic for Hearing impairment. Last evaluated: 2021-04-12. Review status: criteria provided, single submitter. Criteria: ClinGen HL ACMG Specifications v1. Collection method: clinical testing. Allele origin: germline. Affected: yes.
Comment: PVS1_Strong, PM2_Moderate

Institute of Human Genetics, Univ. Regensburg, Univ. Regensburg
Classification: Pathogenic for Retinal dystrophy. Last evaluated: 2020-01-01. Review status: criteria provided, single submitter. Criteria: ACMG Guidelines, 2015. Collection method: clinical testing. Allele origin: germline. Affected: yes.

Literature cited by the submitters: PubMed 19357117 (cited by Labcorp Genetics (formerly Invitae), Labcorp); PubMed 22135276 (cited by Labcorp Genetics (formerly Invitae), Labcorp); PubMed 22147658 (cited by Labcorp Genetics (formerly Invitae), Labcorp); PubMed 26226137 (cited by Labcorp Genetics (formerly Invitae), Labcorp); PubMed 30718709 (cited by Labcorp Genetics (formerly Invitae), Labcorp); PubMed 31047384 (cited by Labcorp Genetics (formerly Invitae), Labcorp); PubMed 32467589 (cited by Labcorp Genetics (formerly Invitae), Labcorp); PubMed 27460420 (cited by Labcorp Genetics (formerly Invitae), Labcorp and Institute of Human Genetics, Univ. Regensburg, Univ. Regensburg); PubMed 31964843 (cited by Institute of Human Genetics, Univ. Regensburg, Univ. Regensburg); PubMed 36056583 (cited by Institute of Human Genetics, Univ. Regensburg, Univ. Regensburg).

NM_032119.4(ADGRV1):c.1477C>T (p.Arg493Ter)

Gene: ADGRV1 (adhesion G protein-coupled receptor V1; plus strand). Cytogenetic location: 5q14.3.
Variant type: single nucleotide variant.
Coding change: c.1477C>T on transcript NM_032119.4 (MANE Select); coding-DNA position 1477, C replaced by T.
Protein change: p.Arg493Ter; replaces arginine 493 with a stop codon.
Molecular consequence: nonsense. On other transcripts: non-coding transcript variant (1).
Genome position (GRCh38, 1-based): chr5:90,628,800, C>T. VCF-style: chr5-90628800-C-T. GRCh37 (hg19) VCF-style: chr5-89924617-C-T.
Other names: short protein forms R493*.
Identifiers: ClinVar variation 1064951 (VCV001064951.32), dbSNP rs779948710, ClinGen allele CA3338688.